The following is an entry in ClinVar:

ClinVar aggregate classification (germline): Uncertain significance (1 of 4 stars; one submission).

Conditions:
Hereditary cancer-predisposing syndrome. Also called: Hereditary Cancer Syndrome; Neoplastic Syndromes, Hereditary; Tumor predisposition; Hereditary neoplastic syndrome. Identifiers: Orphanet 140162, MedGen C0027672, MeSH D009386, MONDO:0015356.

Submission:

Ambry Genetics
Classification: Uncertain significance for Hereditary cancer-predisposing syndrome. Last evaluated: 2026-08-11. Review status: criteria provided, single submitter. Criteria: Ambry Variant Classification Scheme 2023. Collection method: clinical testing. Allele origin: germline.
Comment: The p.L41I variant (also known as c.121T>A), located in coding exon 1 of the CDKN1B gene, results from a T to A substitution at nucleotide position 121. The leucine at codon 41 is replaced by isoleucine, an amino acid with highly similar properties. This amino acid position is conserved. In addition, the in silico prediction for this alteration is inconclusive. Based on the available evidence, the clinical significance of this variant remains unclear.

NM_004064.5(CDKN1B):c.121T>A (p.Leu41Ile)

Gene: CDKN1B (cyclin dependent kinase inhibitor 1B; plus strand). Cytogenetic location: 12p13.1.
Variant type: single nucleotide variant.
Coding change: c.121T>A on transcript NM_004064.5 (MANE Select); coding-DNA position 121, T replaced by A.
Protein change: p.Leu41Ile; replaces leucine 41 with isoleucine.
Molecular consequence: missense variant.
Genome position (GRCh38, 1-based): chr12:12,717,960, T>A. VCF-style: chr12-12717960-T-A. GRCh37 (hg19) VCF-style: chr12-12870894-T-A.
Other names: short protein forms L41I.
Identifiers: ClinVar variation 5034236 (VCV005034236.1).